The following is an entry in ClinVar:

ClinVar aggregate classification (germline): Uncertain significance (1 of 4 stars; one submission).

gnomAD v4.1: 1 of 1,613,684 alleles (0.000062%); highest among the groups gnomAD compares: Non-Finnish European, 0.000085%; no homozygotes.

Submission:

Labcorp Genetics (formerly Invitae), Labcorp
Classification: Uncertain significance. Last evaluated: 2024-04-30. Review status: criteria provided, single submitter. Criteria: Invitae Variant Classification Sherloc (09022015). Collection method: clinical testing. Allele origin: germline.
Comment: This sequence change creates a premature translational stop signal (p.Trp249*) in the SGMS2 gene. It is expected to result in an absent or disrupted protein product. However, the current clinical and genetic evidence is not sufficient to establish whether loss-of-function variants in SGMS2 cause disease. This variant is not present in population databases (gnomAD no frequency). This variant has not been reported in the literature in individuals affected with SGMS2-related conditions. In summary, the available evidence is currently insufficient to determine the role of this variant in disease. Therefore, it has been classified as a Variant of Uncertain Significance.

NM_001375905.1(SGMS2):c.747G>A (p.Trp249Ter)

Genes: CYP2U1-AS1 (CYP2U1 and SGMS2 antisense RNA 1; minus strand), SGMS2 (sphingomyelin synthase 2; plus strand). Cytogenetic location: 4q25.
Variant type: single nucleotide variant.
Coding change: c.747G>A on transcript NM_001375905.1 (MANE Select); coding-DNA position 747, G replaced by A.
Protein change: p.Trp249Ter; replaces tryptophan 249 with a stop codon.
Molecular consequence: nonsense. On other transcripts: intron variant (1).
Genome position (GRCh38, 1-based): chr4:107,908,584, G>A. VCF-style: chr4-107908584-G-A. GRCh37 (hg19) VCF-style: chr4-108829740-G-A.
Other names: c.747G>A, p.Trp249Ter (NM_001136257.2, NM_001136258.2, NM_001375906.1 and 3 more transcripts); c.228G>A, p.Trp76Ter (NM_001375911.1); c.728-1766G>A (NM_001375910.1); short protein forms W76*, W249*.
Identifiers: ClinVar variation 3698210 (VCV003698210.2).